The following is an entry in ClinVar:

ClinVar aggregate classification (germline): Pathogenic (1 of 4 stars; one submission).

Conditions:
Deafness-lymphedema-leukemia syndrome. Also called: Lymphedema, primary, with myelodysplasia; Emberger syndrome. Identifiers: Orphanet 3226, MedGen C3279664, MONDO:0013540, OMIM 614038.
Monocytopenia with susceptibility to infections. Also called: GATA2 DEFICIENCY; MONOCYTOPENIA AND MYCOBACTERIAL INFECTION SYNDROME; MONOCYTOPENIA WITH SUSCEPTIBILITY TO MYCOBACTERIAL, FUNGAL, AND PAPILLOMAVIRUS INFECTIONS AND MYELODYSPLASIA; COMBINED IMMUNODEFICIENCY WITH SUSCEPTIBILITY TO MYCOBACTERIAL, VIRAL, AND FUNGAL INFECTIONS; Dendritic cell, monocyte, B lymphocyte, and natural killer lymphocyte deficiency; IMMUNODEFICIENCY 21. Identifiers: Orphanet 228423, MedGen C3280030, MONDO:0013607, OMIM 614172.

Submission:

Labcorp Genetics (formerly Invitae), Labcorp
Classification: Pathogenic for Dendritic cell, monocyte, B lymphocyte, and natural killer lymphocyte deficiency; Lymphedema, primary, with myelodysplasia. Last evaluated: 2019-04-10. Review status: criteria provided, single submitter. Criteria: Invitae Variant Classification Sherloc (09022015). Collection method: clinical testing. Allele origin: germline.
Comment: A gross deletion of the genomic region encompassing the full coding sequence of the GATA2 gene has been identified. The boundaries of this event are unknown as the deletion extends beyond the assayed region for this gene and therefore may encompass additional genes. Loss-of-function variants in GATA2 are known to be pathogenic. Deletions of the entire GATA2 gene, including several of the surrounding genes, have been reported in the literature in individuals affected with myelodysplastic syndrome and/or acute myeloid leukemia (PMID: 23223431, 22147895). For these reasons, this variant has been classified as Pathogenic.

Literature cited by the submitters: PubMed 23223431; PubMed 22147895.

NC_000003.12:g.(?_128480999)_(128912627_?)del

Genes: RPN1 (ribophorin I; minus strand), ACAD9 (acyl-CoA dehydrogenase family member 9; plus strand), GATA2 (GATA binding protein 2; minus strand), LINC01565 (long intergenic non-protein coding RNA 1565; minus strand), RAB7A (RAB7A, member RAS oncogene family; plus strand). Cytogenetic location: 3q21.3.
Variant type: Deletion.
Identifiers: ClinVar variation 831903 (VCV000831903.1).